The following is an entry in ClinVar:

NM_002582.4(PARN):c.118G>A (p.Val40Ile)

Gene: PARN (poly(A)-specific ribonuclease; minus strand). Cytogenetic location: 16p13.12.
Variant type: single nucleotide variant.
Coding change: c.118G>A on transcript NM_002582.4 (MANE Select); coding-DNA position 118, G replaced by A.
Protein change: p.Val40Ile; replaces valine 40 with isoleucine.
Molecular consequence: missense variant. On other transcripts: 5 prime UTR variant (1).
Genome position (GRCh38, 1-based): chr16:14,628,231, C>T on the plus strand (G>A on the coding strand, the complement: PARN is on the minus strand). VCF-style: chr16-14628231-C-T. GRCh37 (hg19) VCF-style: chr16-14722088-C-T.
Other names: c.-66G>A (NM_001134477.3); c.118G>A, p.Val40Ile (NM_001242992.2); short protein forms V40I.
Identifiers: ClinVar variation 2229455 (VCV002229455.2), dbSNP rs745764135, ClinGen allele CA7912528.

ClinVar aggregate classification (germline): Uncertain significance (1 of 4 stars; one submission).

Conditions:
Inborn genetic diseases. Identifiers: MedGen C0950123, MeSH D030342.

Allele frequency attached by ClinVar (database versions not stated): gnomAD exomes below 0.00001; ExAC 0.00001; TOPMed 0.00002; gnomAD 0.00003.
gnomAD v4.1: 7 of 1,603,966 alleles (0.00044%); highest among the groups gnomAD compares: African/African-American, 0.0013%; no homozygotes.

Submission:

Ambry Genetics
Classification: Uncertain significance for Inborn genetic diseases. Last evaluated: 2021-03-03. Review status: criteria provided, single submitter. Criteria: Ambry Variant Classification Scheme 2023. Collection method: clinical testing. Allele origin: germline.
Comment: The c.118G>A (p.V40I) alteration is located in exon 3 (coding exon 3) of the PARN gene. This alteration results from a G to A substitution at nucleotide position 118, causing the valine (V) at amino acid position 40 to be replaced by an isoleucine (I). The p.V40I alteration is predicted to be tolerated by in silico analysis. Based on insufficient or conflicting evidence, the clinical significance of this alteration remains unclear.